The following is an entry in ClinVar:

ClinVar aggregate classification (germline): Uncertain significance (1 of 4 stars; one submission).

Submissions (2):

GeneDx
Classification: Uncertain significance. Last evaluated: 2023-06-09. Review status: criteria provided, single submitter. Criteria: GeneDx Variant Classification Process June 2021. Collection method: clinical testing. Allele origin: germline. Affected: yes.
Comment: Not observed at significant frequency in large population cohorts (gnomAD); In silico analysis supports that this missense variant does not alter protein structure/function; Has not been previously published as pathogenic or benign to our knowledge

Dr. Peter K. Rogan Lab, Western University
No classification provided (evidence only). Condition: Clear cell carcinoma of kidney. Review status: no classification provided. Collection method: in vitro. Allele origin: not applicable. Functional consequence: retained intron. Not counted in ClinVar's aggregate classification.

NM_015340.4(LARS2):c.1529A>G (p.Lys510Arg)

Genes: LARS2 (leucyl-tRNA synthetase 2, mitochondrial; plus strand), LARS2-AS1 (LARS2 antisense RNA 1; minus strand). Cytogenetic location: 3p21.31.
Variant type: single nucleotide variant.
Coding change: c.1529A>G on transcript NM_015340.4 (MANE Select); coding-DNA position 1529, A replaced by G.
Protein change: p.Lys510Arg; replaces lysine 510 with arginine.
Molecular consequence: missense variant.
Genome position (GRCh38, 1-based): chr3:45,496,280, A>G. VCF-style: chr3-45496280-A-G. GRCh37 (hg19) VCF-style: chr3-45537772-A-G.
Other names: NC_000003.11:g.45537772A>G; c.1529A>G, p.Lys510Arg (NM_001368263.1); short protein forms K510R.
Identifiers: ClinVar variation 3359612 (VCV003359612.2).